The following is an entry in ClinVar:

ClinVar aggregate classification (germline): Uncertain significance (1 of 4 stars; one submission).

Submission:

GeneDx
Classification: Uncertain significance. Last evaluated: 2019-08-06. Review status: criteria provided, single submitter. Criteria: GeneDx Variant Classification Process June 2021. Collection method: clinical testing. Allele origin: germline. Affected: yes.
Comment: Not observed in large population cohorts (Lek et al., 2016); In silico analysis, which includes splice predictors and evolutionary conservation, supports a deleterious effect; Has not been previously published as pathogenic or benign to our knowledge

NM_000701.8(ATP1A1):c.2584G>A (p.Ala862Thr)

Genes: ATP1A1 (ATPase Na+/K+ transporting subunit alpha 1; plus strand), ATP1A1-AS1 (ATP1A1 antisense RNA 1; minus strand). Cytogenetic location: 1p13.1.
Variant type: single nucleotide variant.
Coding change: c.2584G>A on transcript NM_000701.8 (MANE Select); coding-DNA position 2584, G replaced by A.
Protein change: p.Ala862Thr; replaces alanine 862 with threonine.
Molecular consequence: missense variant.
Genome position (GRCh38, 1-based): chr1:116,400,872, G>A. VCF-style: chr1-116400872-G-A. GRCh37 (hg19) VCF-style: chr1-116943494-G-A.
Other names: c.2584G>A, p.Ala862Thr (NM_001160233.2); c.2491G>A, p.Ala831Thr (NM_001160234.2); short protein forms A831T, A862T.
Identifiers: ClinVar variation 1302576 (VCV001302576.2), dbSNP rs2101065871, ClinGen allele CA341774808.